The following is an entry in ClinVar:

NM_133433.4(NIPBL):c.5710-13C>T

Gene: NIPBL (NIPBL cohesin loading factor; plus strand). Cytogenetic location: 5p13.2.
Variant type: single nucleotide variant.
Coding change: c.5710-13C>T on transcript NM_133433.4 (MANE Select); 13 bases into the intron before coding-DNA position 5710, C replaced by T.
Molecular consequence: intron variant.
Genome position (GRCh38, 1-based): chr5:37,026,216, C>T. VCF-style: chr5-37026216-C-T. GRCh37 (hg19) VCF-style: chr5-37026318-C-T.
Other names: c.5710-13C>T (NM_015384.5).
Identifiers: ClinVar variation 353385 (VCV000353385.8), dbSNP rs562131143, ClinGen allele CA3236836.

ClinVar aggregate classification (germline): Benign. Review status: criteria provided, multiple submitters, no conflicts (2 of 4 stars). 3 submissions from 3 submitters: Benign (2). 1 of the submissions does not count toward it. Last evaluated 2025-08-02.

Conditions:
Cornelia de Lange syndrome 1 (CDLS1). Also called: Brachmann de Lange syndrome; NIPBL-Related Cornelia de Lange Syndrome; TYPUS DEGENERATIVUS AMSTELODAMENSIS. Identifiers: Orphanet 199, MedGen C4551851, MONDO:0007387, OMIM 122470.
NIPBL-related disorder. Also called: NIPBL-related condition.

Allele frequency attached by ClinVar (database versions not stated): gnomAD below 0.00001 and 0.00008; TOPMed 0.00001; 1000 Genomes Project 30x 0.00031; ExAC 0.00036; 1000 Genomes Project 0.00040.
gnomAD v4.1: 129 of 1,489,510 alleles (0.0087%); highest among the groups gnomAD compares: South Asian, 0.14%; 3 homozygotes.

Submissions (3):

Labcorp Genetics (formerly Invitae), Labcorp
Classification: Benign for Cornelia de Lange syndrome 1. Last evaluated: 2025-08-02. Review status: criteria provided, single submitter. Criteria: Invitae Variant Classification Sherloc (09022015). Collection method: clinical testing. Allele origin: germline.

Illumina Laboratory Services, Illumina
Classification: Benign for Cornelia de Lange syndrome 1. Last evaluated: 2018-01-13. Review status: criteria provided, single submitter. Criteria: ICSL Variant Classification Criteria 13 December 2019. Collection method: clinical testing. Allele origin: germline.
Comment: This variant was observed in the ICSL laboratory as part of a predisposition screen in an ostensibly healthy population. It had not been previously curated by ICSL or reported in the Human Gene Mutation Database (HGMD: prior to June 1st, 2018), and was therefore a candidate for classification through an automated scoring system. Utilizing variant allele frequency, disease prevalence and penetrance estimates, and inheritance mode, an automated score was calculated to assess if this variant is too frequent to cause the disease. Based on the score and internal cut-off values, a variant classified as benign is not then subjected to further curation. The score for this variant resulted in a classification of benign for this disease.

PreventionGenetics, part of Exact Sciences
Classification: Likely benign for NIPBL-related condition. Last evaluated: 2019-05-15. Review status: no assertion criteria provided. Collection method: clinical testing. Allele origin: germline. Not counted in ClinVar's aggregate classification.
Comment: This variant is classified as likely benign based on ACMG/AMP sequence variant interpretation guidelines (Richards et al. 2015 PMID: 25741868, with internal and published modifications).